The following is an entry in ClinVar:

NM_000435.3(NOTCH3):c.822C>T (p.Asp274=)

Gene: NOTCH3 (notch receptor 3; minus strand). Cytogenetic location: 19p13.12.
Variant type: single nucleotide variant.
Coding change: c.822C>T on transcript NM_000435.3 (MANE Select); coding-DNA position 822, C replaced by T.
Protein change: p.Asp274=; no amino-acid change (aspartic acid 274 retained).
Molecular consequence: synonymous variant.
Genome position (GRCh38, 1-based): chr19:15,191,638, G>A on the plus strand (C>T on the coding strand, the complement: NOTCH3 is on the minus strand). VCF-style: chr19-15191638-G-A. GRCh37 (hg19) VCF-style: chr19-15302449-G-A.
Identifiers: ClinVar variation 493248 (VCV000493248.48), dbSNP rs755998957, ClinGen allele CA9263772.

ClinVar aggregate classification (germline): Likely benign. Review status: criteria provided, multiple submitters, no conflicts (2 of 4 stars). 2 submissions from 2 submitters: Likely benign (2). Last evaluated 2024-05-01.

Allele frequency attached by ClinVar (database versions not stated): gnomAD exomes 0.00002 and 0.00005; ExAC 0.00005; TOPMed 0.00005; gnomAD 0.00006.
gnomAD v4.1: 41 of 1,613,468 alleles (0.0025%); highest among the groups gnomAD compares: African/African-American, 0.0053%; no homozygotes.

Submissions (2):

Labcorp Genetics (formerly Invitae), Labcorp
Classification: Likely benign. Last evaluated: 2024-05-01. Review status: criteria provided, single submitter. Criteria: Invitae Variant Classification Sherloc (09022015). Collection method: clinical testing. Allele origin: germline.

CeGaT Center for Human Genetics Tuebingen
Classification: Likely benign. Last evaluated: 2024-01-01. Review status: criteria provided, single submitter. Criteria: CeGaT Center For Human Genetics Tuebingen Variant Classification Criteria Version 2. Collection method: clinical testing. Allele origin: germline. Affected: yes. Observed: 1 variant allele.
Comment: NOTCH3: BP4, BP7